The following is an entry in ClinVar:

NM_153252.5(BRWD3):c.4426T>C (p.Leu1476=)

Gene: BRWD3 (bromodomain and WD repeat domain containing 3; minus strand). Cytogenetic location: Xq21.1.
Variant type: single nucleotide variant.
Coding change: c.4426T>C on transcript NM_153252.5 (MANE Select); coding-DNA position 4426, T replaced by C.
Protein change: p.Leu1476=; no amino-acid change (leucine 1476 retained).
Molecular consequence: synonymous variant.
Genome position (GRCh38, 1-based): chrX:80,682,066, A>G on the plus strand (T>C on the coding strand, the complement: BRWD3 is on the minus strand). VCF-style: chrX-80682066-A-G. GRCh37 (hg19) VCF-style: chrX-79937565-A-G.
Identifiers: ClinVar variation 2660982 (VCV002660982.25), dbSNP rs766293361, ClinGen allele CA10461651.

ClinVar aggregate classification (germline): Likely benign. Review status: criteria provided, multiple submitters, no conflicts (2 of 4 stars). 2 submissions from 2 submitters: Likely benign (2). Last evaluated 2025-09-14.

Allele frequency attached by ClinVar (database versions not stated): ExAC 0.00001; gnomAD 0.00001; TOPMed 0.00001; gnomAD exomes 0.00002.
gnomAD v4.1: 19 of 1,207,525 alleles (0.0016%); highest among the groups gnomAD compares: Non-Finnish European, 0.0021%; no homozygotes.

Submissions (2):

Labcorp Genetics (formerly Invitae), Labcorp
Classification: Likely benign. Last evaluated: 2025-09-14. Review status: criteria provided, single submitter. Criteria: Invitae Variant Classification Sherloc (09022015). Collection method: clinical testing. Allele origin: germline.

CeGaT Center for Human Genetics Tuebingen
Classification: Likely benign. Last evaluated: 2023-05-01. Review status: criteria provided, single submitter. Criteria: CeGaT Center For Human Genetics Tuebingen Variant Classification Criteria Version 2. Collection method: clinical testing. Allele origin: germline. Affected: yes. Observed: 1 variant allele.
Comment: BRWD3: BP4, BP7